The following is an entry in ClinVar:

ClinVar aggregate classification (germline): Pathogenic (1 of 4 stars; one submission).

Conditions:
Primary ciliary dyskinesia. Also called: Ciliary dyskinesia. Identifiers: Orphanet 244, MedGen C0008780, MONDO:0016575, HP:0012265.

Submission:

Labcorp Genetics (formerly Invitae), Labcorp
Classification: Pathogenic for Primary ciliary dyskinesia. Last evaluated: 2022-01-26. Review status: criteria provided, single submitter. Criteria: Invitae Variant Classification Sherloc (09022015). Collection method: clinical testing. Allele origin: germline.
Comment: For these reasons, this variant has been classified as Pathogenic. This variant disrupts a region of the RPGR (ORF15) protein in which other variant(s) (p.Leu1130Lysfs*13) have been determined to be pathogenic (PMID: 22264887; Invitae). This suggests that this is a clinically significant region of the protein, and that variants that disrupt it are likely to be disease-causing. This variant has not been reported in the literature in individuals affected with RPGR (ORF15)-related conditions. This variant is not present in population databases (gnomAD no frequency). This sequence change creates a premature translational stop signal (p.Glu1014Argfs*75) in the RPGR (ORF15) gene. While this is not anticipated to result in nonsense mediated decay, it is expected to disrupt the last 139 amino acid(s) of the RPGR (ORF15) protein.

Literature cited by the submitters: PubMed 22264887.

NM_001034853.2(RPGR):c.3040del (p.Glu1014fs)

Gene: RPGR (retinitis pigmentosa GTPase regulator; minus strand). Cytogenetic location: Xp11.4.
Variant type: Deletion.
Coding change: c.3040del on transcript NM_001034853.2 (MANE Select); coding-DNA position 3040, one base deleted (G; older notation c.3040delG).
Protein change: p.Glu1014fs; shifts the reading frame from glutamic acid 1014.
Molecular consequence: frameshift variant. On other transcripts: intron variant (8).
Genome position (GRCh38, 1-based): chrX:38,285,959, C deleted on the plus strand (G on the coding strand, the reverse complement: RPGR is on the minus strand); the first of 4 consecutive C bases (chrX:38,285,959-38,285,962); deleting any one gives the same sequence. VCF-style (leftmost placement, unchanged base first): chrX-38285958-TC-T. GRCh37 (hg19) VCF-style: chrX-38145211-TC-T.
Other names: c.1569+5000del (NM_001367249.1, NM_001367250.1); c.1902+1135del (NM_001367245.1); c.1386+5000del (NM_001367251.1); c.1719+1135del (NM_001367246.1); c.1572+5000del (NM_001367247.1); c.1905+1135del (NM_000328.3); c.1602+5000del (NM_001367248.1); short protein forms E1014fs.
Identifiers: ClinVar variation 2201810 (VCV002201810.4), dbSNP rs2067127718, ClinGen allele CA2579584386.